The following is an entry in ClinVar:

NM_002230.4(JUP):c.1697C>G (p.Ala566Gly)

Gene: JUP (junction plakoglobin; minus strand). Cytogenetic location: 17q21.2.
Variant type: single nucleotide variant.
Coding change: c.1697C>G on transcript NM_002230.4 (MANE Select); coding-DNA position 1697, C replaced by G.
Protein change: p.Ala566Gly; replaces alanine 566 with glycine.
Molecular consequence: missense variant.
Genome position (GRCh38, 1-based): chr17:41,758,475, G>C on the plus strand (C>G on the coding strand, the complement: JUP is on the minus strand). VCF-style: chr17-41758475-G-C. GRCh37 (hg19) VCF-style: chr17-39914727-G-C.
Other names: c.1697C>G, p.Ala566Gly (NM_001352773.2, NM_001352774.2, NM_001352775.2 and 3 more transcripts); short protein forms A566G.
Identifiers: ClinVar variation 1778248 (VCV001778248.4), dbSNP rs2544049810, ClinGen allele CA399493063.

ClinVar aggregate classification (germline): Uncertain significance. Review status: criteria provided, multiple submitters, no conflicts (2 of 4 stars). 2 submissions from 2 submitters: Uncertain significance (2). Last evaluated 2024-10-10.

Conditions:
Cardiovascular phenotype. Identifiers: MedGen CN230736.
Arrhythmogenic right ventricular dysplasia 12. Also called: ARRHYTHMOGENIC RIGHT VENTRICULAR DYSPLASIA, FAMILIAL, 12. Identifiers: MedGen C1969081, MONDO:0012684, OMIM 611528.
Naxos disease (NXD). Also called: KERATOSIS PALMOPLANTARIS WITH ARRHYTHMOGENIC CARDIOMYOPATHY; MAL DE NAXOS; PALMOPLANTAR KERATODERMA WITH ARRHYTHMOGENIC RIGHT VENTRICULAR CARDIOMYOPATHY AND WOOLLY HAIR; WOOLLY HAIR, PALMOPLANTAR KERATODERMA, AND CARDIAC ABNORMALITIES; CARDIOMYOPATHY, ARRHYTHMOGENIC RIGHT VENTRICULAR, WITH SKIN, HAIR, AND NAIL ABNORMALITIES. Identifiers: Orphanet 34217, MedGen C1832600, MONDO:0011017, OMIM 601214.

Allele frequency attached by ClinVar (database versions not stated): gnomAD exomes below 0.00001.
gnomAD v4.1: 1 of 1,614,076 alleles (0.000062%); highest among the groups gnomAD compares: Non-Finnish European, 0.000085%; no homozygotes.

Submissions (2):

Labcorp Genetics (formerly Invitae), Labcorp
Classification: Uncertain significance for Arrhythmogenic right ventricular dysplasia 12; Naxos disease. Last evaluated: 2024-10-10. Review status: criteria provided, single submitter. Criteria: Invitae Variant Classification Sherloc (09022015). Collection method: clinical testing. Allele origin: germline.
Comment: This sequence change replaces alanine, which is neutral and non-polar, with glycine, which is neutral and non-polar, at codon 566 of the JUP protein (p.Ala566Gly). This variant is not present in population databases (gnomAD no frequency). This variant has not been reported in the literature in individuals affected with JUP-related conditions. ClinVar contains an entry for this variant (Variation ID: 1778248). An algorithm developed to predict the effect of missense changes on protein structure and function (PolyPhen-2) suggests that this variant is likely to be disruptive. In summary, the available evidence is currently insufficient to determine the role of this variant in disease. Therefore, it has been classified as a Variant of Uncertain Significance.

Ambry Genetics
Classification: Uncertain significance for Cardiovascular phenotype. Last evaluated: 2021-11-19. Review status: criteria provided, single submitter. Criteria: Ambry Variant Classification Scheme 2023. Collection method: clinical testing. Allele origin: germline.
Comment: The p.A566G variant (also known as c.1697C>G), located in coding exon 9 of the JUP gene, results from a C to G substitution at nucleotide position 1697. The alanine at codon 566 is replaced by glycine, an amino acid with similar properties. This amino acid position is conserved. In addition, the in silico prediction for this alteration is inconclusive. Since supporting evidence is limited at this time, the clinical significance of this alteration remains unclear.